The following is an entry in ClinVar:

ClinVar aggregate classification (germline): Uncertain significance. Review status: criteria provided, multiple submitters, no conflicts (2 of 4 stars). 7 submissions from 7 submitters: Uncertain significance (7). Last evaluated 2025-12-15.

Conditions:
XDH-related disorder. Also called: XDH-related condition.
Xanthinuria type II. Also called: Xanthine dehydrogenase and aldehyde oxidase combined deficiency of; XDH and AOX dual deficiency. Identifiers: Orphanet 3467, Orphanet 93602, MedGen C1863688, MONDO:0011346, OMIM 603592.
Hereditary xanthinuria type 1 (XAN1). Identifiers: Orphanet 3467, Orphanet 93601, MedGen C0268118, MONDO:0010209, OMIM 278300.

Allele frequency attached by ClinVar (database versions not stated): 1000 Genomes Project 30x 0.00016; 1000 Genomes Project 0.00020; ExAC 0.00024; TOPMed 0.00025; gnomAD 0.00027 and 0.00029; gnomAD exomes 0.00028; ESP Exome Variant Server 0.00046.
gnomAD v4.1: 548 of 1,614,214 alleles (0.034%); highest among the groups gnomAD compares: Non-Finnish European, 0.043%; no homozygotes.

Submissions (7):

Labcorp Genetics (formerly Invitae), Labcorp
Classification: Uncertain significance for Xanthinuria type II. Last evaluated: 2025-12-15. Review status: criteria provided, single submitter. Criteria: Invitae Variant Classification Sherloc (09022015). Collection method: clinical testing. Allele origin: germline.
Comment: This sequence change replaces threonine, which is neutral and polar, with isoleucine, which is neutral and non-polar, at codon 1222 of the XDH protein (p.Thr1222Ile). This variant is present in population databases (rs148235835, gnomAD 0.06%). This variant has not been reported in the literature in individuals affected with XDH-related conditions. ClinVar contains an entry for this variant (Variation ID: 335759). An algorithm developed to predict the effect of missense changes on protein structure and function (PolyPhen-2) suggests that this variant is likely to be disruptive. In summary, the available evidence is currently insufficient to determine the role of this variant in disease. Therefore, it has been classified as a Variant of Uncertain Significance.

Women's Health and Genetics/Laboratory Corporation of America, LabCorp
Classification: Uncertain significance. Last evaluated: 2025-06-17. Review status: criteria provided, single submitter. Criteria: LabCorp Variant Classification Summary - May 2015. Collection method: clinical testing. Allele origin: germline.
Comment: Variant summary: XDH c.3665C>T (p.Thr1222Ile) results in a non-conservative amino acid change in the encoded protein sequence. Algorithms developed to predict the effect of missense changes on protein structure and function all suggest that this variant is likely to be disruptive. The variant allele was found at a frequency of 0.00028 in 251470 control chromosomes. This frequency is not significantly higher than estimated for a pathogenic variant in XDH causing Hereditary Xanthinuria Type 1, allowing no conclusion about variant significance. To our knowledge, no occurrence of c.3665C>T in individuals affected with Hereditary Xanthinuria Type 1 and no experimental evidence demonstrating its impact on protein function have been reported. ClinVar contains an entry for this variant (Variation ID: 335759). Based on the evidence outlined above, the variant was classified as uncertain significance.

PreventionGenetics, part of Exact Sciences
Classification: Uncertain significance for XDH-related condition. Last evaluated: 2024-12-30. Review status: criteria provided, single submitter. Criteria: ACMG Guidelines, 2015. Collection method: clinical testing. Allele origin: germline.
Comment: The XDH c.3665C>T variant is predicted to result in the amino acid substitution p.Thr1222Ile. To our knowledge, this variant has not been reported in the literature. This variant is reported in 0.056% of alleles in individuals of European (Non-Finnish) descent in gnomAD, which may be too frequent to be an unreported primary cause of disease. Although we suspect that this variant may be benign, at this time, the clinical significance of this variant is uncertain due to the absence of conclusive functional and genetic evidence.

Blueprint Genetics
Classification: Uncertain significance. Last evaluated: 2024-07-30. Review status: criteria provided, single submitter. Criteria: ACMG Guidelines, 2015. Collection method: clinical testing. Allele origin: germline.

Fulgent Genetics
Classification: Uncertain significance for Hereditary xanthinuria type 1. Last evaluated: 2022-04-18. Review status: criteria provided, single submitter. Criteria: ACMG Guidelines, 2015. Collection method: clinical testing. Allele origin: unknown.

Illumina Laboratory Services, Illumina
Classification: Uncertain significance for Hereditary xanthinuria type 1. Last evaluated: 2018-01-12. Review status: criteria provided, single submitter. Criteria: ICSL Variant Classification Criteria 13 December 2019. Collection method: clinical testing. Allele origin: germline.

Breakthrough Genomics
Classification: Uncertain significance. Review status: criteria provided, single submitter. Criteria: ACMG Guidelines, 2015. Collection method: not provided. Allele origin: germline. Inheritance: Autosomal recessive inheritance. Affected: yes.

NM_000379.4(XDH):c.3665C>T (p.Thr1222Ile)

Gene: XDH (xanthine dehydrogenase; minus strand). Cytogenetic location: 2p23.1.
Variant type: single nucleotide variant.
Coding change: c.3665C>T on transcript NM_000379.4 (MANE Select); coding-DNA position 3665, C replaced by T.
Protein change: p.Thr1222Ile; replaces threonine 1222 with isoleucine.
Molecular consequence: missense variant.
Genome position (GRCh38, 1-based): chr2:31,339,598, G>A on the plus strand (C>T on the coding strand, the complement: XDH is on the minus strand). VCF-style: chr2-31339598-G-A. GRCh37 (hg19) VCF-style: chr2-31562464-G-A.
Other names: short protein forms T1222I.
Identifiers: ClinVar variation 335759 (VCV000335759.17), dbSNP rs148235835, ClinGen allele CA1598303.
Genomic context (GRCh38, chr2:31,339,598, plus strand): 5'-ACCCTGAACTCAATGGGGATGCTGCCAAATGCCGGGATCTTGTAGGTGCTAGGGCCACGG[G>A]TGTGCAGGCTCCCCTCGGGGGAATAGTGTAGCTCCTCTAGGGTGAAGAGGCCAAGGCCCT-3'
Protein context (NP_000370.2, residues 1212-1232): LHYSPEGSLH[Thr1222Ile]RGPSTYKIPA